The following is an entry in ClinVar:

NM_002907.4(RECQL):c.1600G>A (p.Ala534Thr)

Gene: RECQL (RecQ like helicase; minus strand). Cytogenetic location: 12p12.1.
Variant type: single nucleotide variant.
Coding change: c.1600G>A on transcript NM_002907.4 (MANE Select); coding-DNA position 1600, G replaced by A.
Protein change: p.Ala534Thr; replaces alanine 534 with threonine.
Molecular consequence: missense variant.
Genome position (GRCh38, 1-based): chr12:21,471,495, C>T on the plus strand (G>A on the coding strand, the complement: RECQL is on the minus strand). VCF-style: chr12-21471495-C-T. GRCh37 (hg19) VCF-style: chr12-21624429-C-T.
Other names: c.1600G>A, p.Ala534Thr (NM_032941.3); short protein forms A534T.
Identifiers: ClinVar variation 2586005 (VCV002586005.2), dbSNP rs2540320597, ClinGen allele CA384116068.

ClinVar aggregate classification (germline): Uncertain significance (1 of 4 stars; one submission).

Submission:

Ambry Genetics
Classification: Uncertain significance. Last evaluated: 2023-07-15. Review status: criteria provided, single submitter. Criteria: Ambry Variant Classification Scheme 2023. Collection method: clinical testing. Allele origin: germline.
Comment: The p.A534T variant (also known as c.1600G>A), located in coding exon 12 of the RECQL gene, results from a G to A substitution at nucleotide position 1600. The alanine at codon 534 is replaced by threonine, an amino acid with similar properties. This amino acid position is conserved. In addition, this alteration is predicted to be tolerated by in silico analysis. Since supporting evidence is limited at this time, the clinical significance of this alteration remains unclear.